The following is an entry in ClinVar:

ClinVar aggregate classification (germline): Uncertain significance (1 of 4 stars; one submission).

Conditions:
Cardiovascular phenotype. Identifiers: MedGen CN230736.

Submission:

Ambry Genetics
Classification: Uncertain significance for Cardiovascular phenotype. Last evaluated: 2023-07-10. Review status: criteria provided, single submitter. Criteria: Ambry Variant Classification Scheme 2023. Collection method: clinical testing. Allele origin: germline.
Comment: The p.E2K variant (also known as c.4G>A), located in coding exon 1 of the LMNA gene, results from a G to A substitution at nucleotide position 4. The glutamic acid at codon 2 is replaced by lysine, an amino acid with similar properties. This amino acid position is not well conserved in available vertebrate species. In addition, the in silico prediction for this alteration is inconclusive. Since supporting evidence is limited at this time, the clinical significance of this alteration remains unclear.

NM_170707.4(LMNA):c.4G>A (p.Glu2Lys)

Gene: LMNA (lamin A/C; plus strand). Cytogenetic location: 1q22.
Variant type: single nucleotide variant.
Coding change: c.4G>A on transcript NM_170707.4 (MANE Select); coding-DNA position 4, G replaced by A.
Protein change: p.Glu2Lys; replaces glutamic acid 2 with lysine.
Molecular consequence: missense variant. On other transcripts: 5 prime UTR variant (8), intron variant (2).
Genome position (GRCh38, 1-based): chr1:156,114,922, G>A. VCF-style: chr1-156114922-G-A. GRCh37 (hg19) VCF-style: chr1-156084713-G-A.
Other names: c.4G>A, p.Glu2Lys (NM_001282625.2, NM_001282626.2, NM_001406983.1 and 6 more transcripts); c.-420G>A (NM_001406986.1); c.-398G>A (NM_001406990.1, NM_001406995.1, NM_001407002.1); c.-661G>A (NM_001406994.1, NM_001407000.1); c.-841G>A (NM_001406999.1); c.-504G>A (NM_001407001.1); c.-203+8099G>A (NM_001406993.1, NM_001407003.1); short protein forms E2K.
Identifiers: ClinVar variation 2587213 (VCV002587213.2), dbSNP rs1558115754, ClinGen allele CA16021036.
Genomic context (GRCh38, chr1:156,114,922, plus strand): 5'-GCCCCGCGCCCTTTCCGGGACCCCTGCCCCGCGGGCAGCGCTGCCAACCTGCCGGCCATG[G>A]AGACCCCGTCCCAGCGGCGCGCCACCCGCAGCGGGGCGCAGGCCAGCTCCACTCCGCTGT-3'
Protein context (NP_733821.1, residues 1-12): M[Glu2Lys]TPSQRRATRS